The following is an entry in ClinVar:

ClinVar aggregate classification (germline): Likely pathogenic (1 of 4 stars; one submission).

Conditions:
Spastic paraplegia. Identifiers: MedGen C0037772, HP:0001258.

Submission:

Labcorp Genetics (formerly Invitae), Labcorp
Classification: Likely pathogenic for Spastic paraplegia. Last evaluated: 2019-06-18. Review status: criteria provided, single submitter. Criteria: Invitae Variant Classification Sherloc (09022015). Collection method: clinical testing. Allele origin: germline.
Comment: Donor and acceptor splice site variants typically lead to a loss of protein function (PMID: 16199547), and loss-of-function variants in ZFYVE26 are known to be pathogenic (PMID: 18394578, 19805727). This variant has not been reported in the literature in individuals with ZFYVE26-related conditions. This variant is not present in population databases (ExAC no frequency). This sequence change affects a donor splice site in intron 34 of the ZFYVE26 gene. It is expected to disrupt RNA splicing and likely results in an absent or disrupted protein product. In summary, the currently available evidence indicates that the variant is pathogenic, but additional data are needed to prove that conclusively. Therefore, this variant has been classified as Likely Pathogenic.

Literature cited by the submitters: PubMed 16199547; PubMed 18394578; PubMed 19805727.

NM_015346.4(ZFYVE26):c.6369+1G>A

Gene: ZFYVE26 (zinc finger FYVE-type containing 26; minus strand). Cytogenetic location: 14q24.1.
Variant type: single nucleotide variant.
Coding change: c.6369+1G>A on transcript NM_015346.4 (MANE Select); the canonical splice donor site of the intron after coding-DNA position 6369, G replaced by A.
Molecular consequence: splice donor variant.
Genome position (GRCh38, 1-based): chr14:67,762,202, C>T on the plus strand (G>A on the coding strand, the complement: ZFYVE26 is on the minus strand). VCF-style: chr14-67762202-C-T. GRCh37 (hg19) VCF-style: chr14-68228919-C-T.
Identifiers: ClinVar variation 938496 (VCV000938496.8), dbSNP rs1197046699, ClinGen allele CA390163623.